The following is an entry in ClinVar:

ClinVar aggregate classification (germline): Uncertain significance (1 of 4 stars; one submission).

gnomAD v4.1: 3 of 1,614,086 alleles (0.00019%); highest among the groups gnomAD compares: Non-Finnish European, 0.00025%; no homozygotes.

Submission:

Labcorp Genetics (formerly Invitae), Labcorp
Classification: Uncertain significance. Last evaluated: 2025-10-13. Review status: criteria provided, single submitter. Criteria: Invitae Variant Classification Sherloc (09022015). Collection method: clinical testing. Allele origin: germline.
Comment: This sequence change replaces histidine, which is basic and polar, with arginine, which is basic and polar, at codon 1761 of the CACNA1D protein (p.His1761Arg). This variant is not present in population databases (gnomAD no frequency). This variant has not been reported in the literature in individuals affected with CACNA1D-related conditions. An algorithm developed to predict the effect of missense changes on protein structure and function (PolyPhen-2) suggests that this variant is likely to be tolerated. In summary, the available evidence is currently insufficient to determine the role of this variant in disease. Therefore, it has been classified as a Variant of Uncertain Significance.

NM_001128840.3(CACNA1D):c.5222A>G (p.His1741Arg)

Gene: CACNA1D (calcium voltage-gated channel subunit alpha1 D; plus strand). Cytogenetic location: 3p21.1.
Variant type: single nucleotide variant.
Coding change: c.5222A>G on transcript NM_001128840.3 (MANE Select); coding-DNA position 5222, A replaced by G.
Protein change: p.His1741Arg; replaces histidine 1741 with arginine.
Molecular consequence: missense variant.
Genome position (GRCh38, 1-based): chr3:53,801,239, A>G. VCF-style: chr3-53801239-A-G. GRCh37 (hg19) VCF-style: chr3-53835266-A-G.
Other names: c.5282A>G, p.His1761Arg (NM_000720.4); c.5177A>G, p.His1726Arg (NM_001128839.3); short protein forms H1741R, H1726R, H1761R.
Identifiers: ClinVar variation 4782151 (VCV004782151.1).
Genomic context (GRCh38, chr3:53,801,239, plus strand): 5'-CAAGTGATACTGAGAAACCGCTGTTTCCTCCAGCAGGAAATTCGGTGTGTCATAACCATC[A>G]TAACCATAATTCCATAGGAAAGCAAGTTCCCACCTCAACAAATGCCAATCTCAATAATGC-3'
Protein context (NP_001122312.1, residues 1731-1751): PAGNSVCHNH[His1741Arg]NHNSIGKQVP